The following is an entry in ClinVar:

ClinVar aggregate classification (germline): Pathogenic (1 of 4 stars; one submission).

Conditions:
Rare genetic deafness. Identifiers: Orphanet 96210, MedGen C5680250.

Submission:

Laboratory for Molecular Medicine, Mass General Brigham Personalized Medicine
Classification: Pathogenic for Rare genetic deafness. Last evaluated: 2014-04-21. Review status: criteria provided, single submitter. Criteria: LMM Criteria. Collection method: clinical testing. Allele origin: germline. Inheritance: Autosomal recessive inheritance. Observed: 2 variant alleles.
Comment: The chr15.hg19:g.(?_43929274)_(43931260_?) deletion was identified by ddPCR prob es targeting exon 7 and intron 7 of CATSPER2 and, at a minimum, encompasses thes e regions in the CATSPER2 gene. Exact breakpoints of the detected deletion could not be determined due to limitations of the testing methodology. Therefore this assay cannot determine if this variant represents a larger deletion encompassin g the entire CATSPER2 gene region and whether neighboring genes are also impacte d. However, contiguous gene deletions encompassing both the STRC and CATSPER2 ge nes have been reported in several individuals with hearing loss (Verpy 2001, Zha ng 2007, Knijnenburg 2009, Francey 2011). Homozygous or compound heterozygous de letions that affect both of these genes are associated with deafness and male in fertility syndrome (DIS; Zhang 2007). Both copies of CATSPER2 must be affected f or a male individual to have infertility. In summary, based on the expected effe ct on the protein and the reported impact of deletions encompassing the CATSPER2 gene in individuals, this copy number variant meets our criteria to be classifi ed as pathogenic for autosomal recessive male infertility.

Literature cited by the submitters: PubMed 17098888; PubMed 19246478; PubMed 22147502; PubMed 11687802.

NM_172095.1(CATSPER2):c.(?_718-34)_(843-857_?)del

Genes: CATSPER2 (cation channel sperm associated 2; minus strand), LOC130056948 (ATAC-STARR-seq lymphoblastoid active region 9316; plus strand), LOC130056949 (ATAC-STARR-seq lymphoblastoid active region 9317; plus strand). Cytogenetic location: 15q15.3.
Variant type: Deletion.
Coding change: c.(?_718-34)_(843-857_?)del on transcript NM_172095.1; a large deletion whose breakpoints are not mapped to the base.
Other names: p.?.
Identifiers: ClinVar variation 162825 (VCV000162825.4).